The following is an entry in ClinVar:

NM_001267550.2(TTN):c.74585del (p.Thr24862fs)

Genes: TTN-AS1 (TTN antisense RNA 1; plus strand), TTN (titin; minus strand). Cytogenetic location: 2q31.2.
Variant type: Deletion.
Coding change: c.74585del on transcript NM_001267550.2 (MANE Select); coding-DNA position 74585, one base deleted (C; older notation c.74585delC).
Protein change: p.Thr24862fs; shifts the reading frame from threonine 24862.
Molecular consequence: frameshift variant.
Genome position (GRCh38, 1-based): chr2:178,571,547, G deleted on the plus strand (C on the coding strand, the reverse complement: TTN is on the minus strand). VCF-style (leftmost placement, unchanged base first): chr2-178571546-TG-T. GRCh37 (hg19) VCF-style: chr2-179436273-TG-T.
Other names: c.69662del, p.Thr23221fs (NM_001256850.1); c.47390del, p.Thr15797fs (NM_003319.4); c.66881del, p.Thr22294fs (NM_133378.4); c.47765del, p.Thr15922fs (NM_133432.3); c.47966del, p.Thr15989fs (NM_133437.4); short protein forms T22294fs, T15989fs, T15922fs, T23221fs, T24862fs, T15797fs.
Identifiers: ClinVar variation 2945398 (VCV002945398.3), dbSNP rs2468498429, ClinGen allele CA2740096020.
Genomic context (GRCh38, chr2:178,571,546, plus strand): 5'-TCTAAACTGATATTCACATCCAGTCTTCAGTCTGCAAGCCTTTATTGTTGTCCTTGCAAC[TG>T]TAGCTGATACAATTTGCCAGGTGGTTGTGGAAGTGTCCCGTTTCTCAACAATGTAATTAT-3'

ClinVar aggregate classification (germline): Likely pathogenic (1 of 4 stars; one submission).

Conditions:
Dilated cardiomyopathy 1G (CMD1G). Identifiers: Orphanet 154, MedGen C1858763, MONDO:0011400, OMIM 604145.
Autosomal recessive limb-girdle muscular dystrophy type 2J (LGMDR10). Also called: Limb-girdle muscular dystrophy, type 2J; MUSCULAR DYSTROPHY, LIMB-GIRDLE, AUTOSOMAL RECESSIVE 10. Identifiers: Orphanet 140922, MedGen C1837342, MONDO:0012127, OMIM 608807.

Submission:

Labcorp Genetics (formerly Invitae), Labcorp
Classification: Likely pathogenic for Dilated cardiomyopathy 1G; Autosomal recessive limb-girdle muscular dystrophy type 2J. Last evaluated: 2023-04-03. Review status: criteria provided, single submitter. Criteria: Invitae Variant Classification Sherloc (09022015). Collection method: clinical testing. Allele origin: germline.
Comment: This sequence change creates a premature translational stop signal (p.Thr24862Lysfs*7) in the TTN gene. While this is not anticipated to result in nonsense mediated decay, it is expected to create a truncated TTN protein. This variant is not present in population databases (gnomAD no frequency). This variant has not been reported in the literature in individuals affected with TTN-related conditions. This variant is located in the A band of TTN (PMID: 25589632). Truncating variants in this region are significantly overrepresented in patients affected with dilated cardiomyopathy (PMID: 25589632). Truncating variants in this region have also been reported in individuals affected with autosomal recessive centronuclear myopathy (PMID: 23975875). In summary, the currently available evidence indicates that the variant is pathogenic, but additional data are needed to prove that conclusively. Therefore, this variant has been classified as Likely Pathogenic.

Literature cited by the submitters: PubMed 25589632; PubMed 23975875.